The following is an entry in ClinVar:

ClinVar aggregate classification (germline): Likely benign. Review status: criteria provided, multiple submitters, no conflicts (2 of 4 stars). 2 submissions from 2 submitters: Likely benign (2). Last evaluated 2025-08-14.

Allele frequency attached by ClinVar (database versions not stated): gnomAD 0.00001; TOPMed 0.00002; ExAC 0.00003; gnomAD exomes 0.00004.
gnomAD v4.1: 60 of 1,611,200 alleles (0.0037%); highest among the groups gnomAD compares: Non-Finnish European, 0.0046%; no homozygotes.

Submissions (2):

Mayo Clinic Laboratories, Mayo Clinic
Classification: Likely benign. Last evaluated: 2025-08-14. Review status: criteria provided, single submitter. Criteria: ACMG Guidelines, 2015. Collection method: clinical testing. Allele origin: germline. Observed: 1 variant allele.
Comment: BP4, BP7

Labcorp Genetics (formerly Invitae), Labcorp
Classification: Likely benign. Last evaluated: 2024-02-23. Review status: criteria provided, single submitter. Criteria: Invitae Variant Classification Sherloc (09022015). Collection method: clinical testing. Allele origin: germline.

NM_005560.6(LAMA5):c.10755C>T (p.Asp3585=)

Gene: LAMA5 (laminin subunit alpha 5; minus strand). Cytogenetic location: 20q13.33.
Variant type: single nucleotide variant.
Coding change: c.10755C>T on transcript NM_005560.6 (MANE Select); coding-DNA position 10755, C replaced by T.
Protein change: p.Asp3585=; no amino-acid change (aspartic acid 3585 retained).
Molecular consequence: synonymous variant.
Genome position (GRCh38, 1-based): chr20:62,310,061, G>A on the plus strand (C>T on the coding strand, the complement: LAMA5 is on the minus strand). VCF-style: chr20-62310061-G-A. GRCh37 (hg19) VCF-style: chr20-60885117-G-A.
Other names: p.Asp3585=.
Identifiers: ClinVar variation 2154081 (VCV002154081.5), dbSNP rs773900483, ClinGen allele CA9939629.